The following is an entry in ClinVar:

ClinVar aggregate classification (germline): Pathogenic (1 of 4 stars; one submission).

Conditions:
Nemaline myopathy 2 (NEM2). Also called: Nemaline myopathy 2, autosomal recessive. Identifiers: MedGen C1850569, MONDO:0009725, OMIM 256030.

Submission:

Labcorp Genetics (formerly Invitae), Labcorp
Classification: Pathogenic for Nemaline myopathy 2. Last evaluated: 2023-12-14. Review status: criteria provided, single submitter. Criteria: Invitae Variant Classification Sherloc (09022015). Collection method: clinical testing. Allele origin: germline.
Comment: This variant is a gross deletion of the genomic region encompassing exon(s) 77 of the NEB gene. This variant would be expected to be in-frame, preserving the integrity of the reading frame. A similar copy number variant has been observed in individuals with clinical features of nemaline myopathy (PMID: 25205138; Invitae). Experimental studies and prediction algorithms are not available or were not evaluated, and the functional significance of this variant is currently unknown. For these reasons, this variant has been classified as Pathogenic.

Literature cited by the submitters: PubMed 25205138.

NC_000002.11:g.(?_152470770)_(152471121_?)del

Gene: NEB (nebulin; minus strand). Cytogenetic location: 2q23.3.
Variant type: Deletion.
Identifiers: ClinVar variation 2424063 (VCV002424063.3).